The following is an entry in ClinVar:

NM_052897.4(MBD6):c.1668C>T (p.Leu556=)

Gene: MBD6 (methyl-CpG binding domain protein 6; plus strand). Cytogenetic location: 12q13.3.
Variant type: single nucleotide variant.
Coding change: c.1668C>T on transcript NM_052897.4 (MANE Select); coding-DNA position 1668, C replaced by T.
Protein change: p.Leu556=; no amino-acid change (leucine 556 retained).
Molecular consequence: synonymous variant.
Genome position (GRCh38, 1-based): chr12:57,526,813, C>T. VCF-style: chr12-57526813-C-T. GRCh37 (hg19) VCF-style: chr12-57920596-C-T.
Identifiers: ClinVar variation 4084808 (VCV004084808.8).

ClinVar aggregate classification (germline): Likely benign (1 of 4 stars; one submission).

Submission:

CeGaT Center for Human Genetics Tuebingen
Classification: Likely benign. Last evaluated: 2025-07-01. Review status: criteria provided, single submitter. Criteria: CeGaT Center For Human Genetics Tuebingen Variant Classification Criteria Version 2. Collection method: clinical testing. Allele origin: germline. Affected: yes. Observed: 1 variant allele.
Comment: MBD6: PM2:Supporting, BP4, BP7